The following is an entry in ClinVar:

NM_000132.4(F8):c.1421G>T (p.Gly474Val)

Gene: F8 (coagulation factor VIII; minus strand). Cytogenetic location: Xq28.
Variant type: single nucleotide variant.
Coding change: c.1421G>T on transcript NM_000132.4 (MANE Select); coding-DNA position 1421, G replaced by T.
Protein change: p.Gly474Val; replaces glycine 474 with valine.
Molecular consequence: missense variant.
Genome position (GRCh38, 1-based): chrX:154,965,992, C>A on the plus strand (G>T on the coding strand, the complement: F8 is on the minus strand). VCF-style: chrX-154965992-C-A. GRCh37 (hg19) VCF-style: chrX-154194267-C-A.
Other names: NM_000132.3:c.1421G>T; short protein forms G474V.
Identifiers: ClinVar variation 4087777 (VCV004087777.1).

ClinVar aggregate classification (germline): Uncertain significance (3 of 4 stars; one submission).

Conditions:
Hereditary factor VIII deficiency disease (HEMA). Also called: HEMOPHILIA, CLASSIC; AUTOSOMAL HEMOPHILIA A; Hemophilia A; Hemophilia A, congenital; HEM A; Factor 8 deficiency, congenital. Identifiers: Orphanet 98878, MedGen C0019069, MONDO:0010602, OMIM 306700.

Submission:

ClinGen Coagulation Factor Deficiency Variant Curation Expert Panel, Clingen
Classification: Uncertain significance for Hereditary factor VIII deficiency disease. Last evaluated: 2025-06-06. Review status: reviewed by expert panel. Criteria: ClinGen CoagFactor ACMG Specifications F8 V1.0.0. Collection method: curation. Allele origin: germline. Inheritance: X-linked inheritance.
Comment: The variant, NM_000132.3(F8):c.1421G>T, predicts a missense change, Gly474Val, is not reported in gnomAD v2.1.1 or v3. This variant has been reported in at least one patient with mild hemophilia A in the literature (PMID: 18184865); however they do not meet the F8 phenotype criteria as VWD exclusion is not specified. The variant has a REVEL score of 0.92 meeting PP3 (threshold >0.6). Another nucleotide change at the same position, c.1421G>A (p.Gly474Glu) is classified as pathogenic by CFD-VCEP meeting PM5 criteria. In summary, the clinical significance of this variant is variant of uncertain significance. ACMG/AMP criteria applied, as specified by the Coagulation Factor Deficiency Variant Curation Expert Panel for F8: PM5, PM2_Supporting, PP3.